The following is an entry in ClinVar:

NM_021120.4(DLG3):c.1281C>T (p.Arg427=)

Genes: DLG3 (discs large MAGUK scaffold protein 3; plus strand), DLG3-AS1 (DLG3 antisense RNA 1; minus strand). Cytogenetic location: Xq13.1.
Variant type: single nucleotide variant.
Coding change: c.1281C>T on transcript NM_021120.4 (MANE Select); coding-DNA position 1281, C replaced by T.
Protein change: p.Arg427=; no amino-acid change (arginine 427 retained).
Molecular consequence: synonymous variant.
Genome position (GRCh38, 1-based): chrX:70,453,772, C>T. VCF-style: chrX-70453772-C-T. GRCh37 (hg19) VCF-style: chrX-69673622-C-T.
Other names: c.270C>T, p.Arg90= (NM_020730.3).
Identifiers: ClinVar variation 434946 (VCV000434946.30), dbSNP rs1473465948, ClinGen allele CA517021285.

ClinVar aggregate classification (germline): Likely benign. Review status: criteria provided, multiple submitters, no conflicts (2 of 4 stars). 2 submissions from 2 submitters: Likely benign (2). Last evaluated 2022-06-01.

Allele frequency attached by ClinVar (database versions not stated): gnomAD exomes below 0.00001 and 0.00002; TOPMed 0.00001; gnomAD 0.00002.
gnomAD v4.1: 5 of 1,197,474 alleles (0.00042%); highest among the groups gnomAD compares: Non-Finnish European, 0.00056%; no homozygotes.

Submissions (2):

CeGaT Center for Human Genetics Tuebingen
Classification: Likely benign. Last evaluated: 2022-06-01. Review status: criteria provided, single submitter. Criteria: CeGaT Center For Human Genetics Tuebingen Variant Classification Criteria Version 2. Collection method: clinical testing. Allele origin: germline. Affected: yes. Observed: 1 variant allele.
Comment: DLG3: BP4, BP7

Genetic Services Laboratory, University of Chicago
Classification: Likely benign. Last evaluated: 2015-11-09. Review status: criteria provided, single submitter. Criteria: ACMG Guidelines, 2015. Collection method: clinical testing. Allele origin: germline. Affected: no.